The following is an entry in ClinVar:

NM_006514.4(SCN10A):c.1588C>T (p.His530Tyr)

Gene: SCN10A (sodium voltage-gated channel alpha subunit 10; minus strand). Cytogenetic location: 3p22.2.
Variant type: single nucleotide variant.
Coding change: c.1588C>T on transcript NM_006514.4 (MANE Select); coding-DNA position 1588, C replaced by T.
Protein change: p.His530Tyr; replaces histidine 530 with tyrosine.
Molecular consequence: missense variant. On other transcripts: intron variant (1).
Genome position (GRCh38, 1-based): chr3:38,752,386, G>A on the plus strand (C>T on the coding strand, the complement: SCN10A is on the minus strand). VCF-style: chr3-38752386-G-A. GRCh37 (hg19) VCF-style: chr3-38793877-G-A.
Other names: c.1588C>T, p.His530Tyr (NM_001293306.2); c.1462-2202C>T (NM_001293307.2); short protein forms H530Y.
Identifiers: ClinVar variation 3225621 (VCV003225621.12), dbSNP rs774048085, ClinGen allele CA2320806.
Genomic context (GRCh38, chr3:38,752,386, plus strand): 5'-GGAGGGGGCCTTGCTGGCCAGCACCCCCACCCAGCAGCAGAGAGCCCCGATGGCTTTCGT[G>A]GTCTCCAGGAAAGACTCCATCATCTGTGACTCCCTCAGGGAGTGAGATATCTCGGCCAGG-3'
Protein context (NP_006505.4, residues 520-540): VTDDGVFPGD[His530Tyr]ESHRGSLLLG

ClinVar aggregate classification (germline): Uncertain significance. Review status: criteria provided, multiple submitters, no conflicts (2 of 4 stars). 3 submissions from 3 submitters: Uncertain significance (3). Last evaluated 2025-05-01.

Conditions:
Cardiovascular phenotype. Identifiers: MedGen CN230736.
Brugada syndrome. Also called: Sudden unexpected nocturnal death syndrome; Sudden unexplained nocturnal death syndrome; Sudden Unexplained Death Syndrome; Sudden Unexplained Nocturnal Death Syndrome (SUNDS). Identifiers: Orphanet 130, MedGen C1142166, MONDO:0015263.

Allele frequency attached by ClinVar (database versions not stated): TOPMed 0.00001; ExAC 0.00002.
gnomAD v4.1: 10 of 1,613,968 alleles (0.00062%); highest among the groups gnomAD compares: Non-Finnish European, 0.00085%; no homozygotes.

Submissions (3):

CeGaT Center for Human Genetics Tuebingen
Classification: Uncertain significance. Last evaluated: 2025-05-01. Review status: criteria provided, single submitter. Criteria: CeGaT Center For Human Genetics Tuebingen Variant Classification Criteria Version 2. Collection method: clinical testing. Allele origin: germline. Affected: yes. Observed: 1 variant allele.

Labcorp Genetics (formerly Invitae), Labcorp
Classification: Uncertain significance for Brugada syndrome. Last evaluated: 2025-04-09. Review status: criteria provided, single submitter. Criteria: Invitae Variant Classification Sherloc (09022015). Collection method: clinical testing. Allele origin: germline.
Comment: This sequence change replaces histidine, which is basic and polar, with tyrosine, which is neutral and polar, at codon 530 of the SCN10A protein (p.His530Tyr). This variant is present in population databases (rs774048085, gnomAD 0.004%). This variant has not been reported in the literature in individuals affected with SCN10A-related conditions. ClinVar contains an entry for this variant (Variation ID: 3225621). Invitae Evidence Modeling of protein sequence and biophysical properties (such as structural, functional, and spatial information, amino acid conservation, physicochemical variation, residue mobility, and thermodynamic stability) indicates that this missense variant is not expected to disrupt SCN10A protein function with a negative predictive value of 80%. In summary, the available evidence is currently insufficient to determine the role of this variant in disease. Therefore, it has been classified as a Variant of Uncertain Significance.

Ambry Genetics
Classification: Uncertain significance for Cardiovascular phenotype. Last evaluated: 2023-12-15. Review status: criteria provided, single submitter. Criteria: Ambry Variant Classification Scheme 2023. Collection method: clinical testing. Allele origin: germline.
Comment: The p.H530Y variant (also known as c.1588C>T), located in coding exon 11 of the SCN10A gene, results from a C to T substitution at nucleotide position 1588. The histidine at codon 530 is replaced by tyrosine, an amino acid with similar properties. This amino acid position is conserved. In addition, this alteration is predicted to be tolerated by in silico analysis. Since supporting evidence is limited at this time, the clinical significance of this alteration remains unclear.